The following is an entry in ClinVar:

ClinVar aggregate classification (germline): Uncertain significance (1 of 4 stars; one submission).

Submission:

Labcorp Genetics (formerly Invitae), Labcorp
Classification: Uncertain significance. Last evaluated: 2021-11-30. Review status: criteria provided, single submitter. Criteria: Invitae Variant Classification Sherloc (09022015). Collection method: clinical testing. Allele origin: germline.
Comment: Algorithms developed to predict the effect of missense changes on protein structure and function are either unavailable or do not agree on the potential impact of this missense change (SIFT: "Tolerated"; PolyPhen-2: "Probably Damaging"; Align-GVGD: "Class C0"). In summary, the available evidence is currently insufficient to determine the role of this variant in disease. Therefore, it has been classified as a Variant of Uncertain Significance. This sequence change replaces lysine, which is basic and polar, with asparagine, which is neutral and polar, at codon 1455 of the C2CD3 protein (p.Lys1455Asn). This variant is not present in population databases (gnomAD no frequency). This variant has not been reported in the literature in individuals affected with C2CD3-related conditions.

NM_001286577.2(C2CD3):c.4365G>T (p.Lys1455Asn)

Gene: C2CD3 (C2 domain containing 3 centriole elongation regulator; minus strand). Cytogenetic location: 11q13.4.
Variant type: single nucleotide variant.
Coding change: c.4365G>T on transcript NM_001286577.2 (MANE Select); coding-DNA position 4365, G replaced by T.
Protein change: p.Lys1455Asn; replaces lysine 1455 with asparagine.
Molecular consequence: missense variant.
Genome position (GRCh38, 1-based): chr11:74,078,353, C>A on the plus strand (G>T on the coding strand, the complement: C2CD3 is on the minus strand). VCF-style: chr11-74078353-C-A. GRCh37 (hg19) VCF-style: chr11-73789398-C-A.
Other names: c.4365G>T, p.Lys1455Asn (NM_015531.6); short protein forms K1455N.
Identifiers: ClinVar variation 1395776 (VCV001395776.6), dbSNP rs746683707, ClinGen allele CA381818108.
Genomic context (GRCh38, chr11:74,078,353, plus strand): 5'-GACTTCTGCTCTTTTGGATGCCTTGAAAGTGACCATAATCTGCTTTTTGTTTACAGATTC[C>A]TTAGGCTTCTTGAGAGGGGTCCAAAAGGCTTCATGATCATAGAACTTGTAGCGAAGGTAG-3'
Protein context (NP_001273506.1, residues 1445-1465): EAFWTPLKKP[Lys1455Asn]ESVNKKQIMV